The following is an entry in ClinVar:

NM_000535.7(PMS2):c.1219A>C (p.Arg407=)

Gene: PMS2 (PMS1 homolog 2, mismatch repair system component; minus strand). Cytogenetic location: 7p22.1.
Variant type: single nucleotide variant.
Coding change: c.1219A>C on transcript NM_000535.7 (MANE Select); coding-DNA position 1219, A replaced by C.
Protein change: p.Arg407=; no amino-acid change (arginine 407 retained).
Molecular consequence: synonymous variant. On other transcripts: non-coding transcript variant (1), intron variant (1).
Genome position (GRCh38, 1-based): chr7:5,987,546, T>G on the plus strand (A>C on the coding strand, the complement: PMS2 is on the minus strand). VCF-style: chr7-5987546-T-G. GRCh37 (hg19) VCF-style: chr7-6027177-T-G.
Other names: c.814A>C, p.Arg272= (NM_001322003.2, NM_001322004.2, NM_001322005.2 and 16 more transcripts); c.1063A>C, p.Arg355= (NM_001322006.2, NM_001406870.1); c.901A>C, p.Arg301= (NM_001322007.2, NM_001322008.2, NM_001406876.1 and 2 more transcripts); c.658A>C, p.Arg220= (NM_001322010.2, NM_001406906.1, NM_001406907.1); c.286A>C, p.Arg96= (NM_001322011.2, NM_001322012.2); c.646A>C, p.Arg216= (NM_001322013.2, NM_001406909.1); c.1219A>C, p.Arg407= (NM_001322014.2, NM_001406871.1, NM_001406872.1); c.910A>C, p.Arg304= (NM_001322015.2, NM_001406875.1, NM_001406877.1 and 5 more transcripts); and 13 more.
Identifiers: ClinVar variation 3903919 (VCV003903919.1).

ClinVar aggregate classification (germline): Benign (1 of 4 stars; one submission).

Conditions:
Lynch syndrome 4 (LYNCH4). Also called: Colorectal cancer, hereditary nonpolyposis, type 4; Hereditary non-polyposis colorectal cancer, type 4. Identifiers: Orphanet 144, MedGen C1838333, MONDO:0013699, OMIM 614337. Disease mechanism: loss of function.

Submission:

Myriad Genetics, Inc.
Classification: Benign for Lynch syndrome 4. Last evaluated: 2025-01-30. Review status: criteria provided, single submitter. Criteria: Myriad Autosomal Dominant, Autosomal Recessive and X-Linked Classification Criteria (2023). Collection method: clinical testing. Allele origin: unknown.
Comment: This variant is considered benign. This variant is a silent/synonymous amino acid change and it is not expected to impact splicing.